The following is an entry in ClinVar:

NM_001374736.1(DST):c.13609C>T (p.Leu4537Phe)

Gene: DST (dystonin; minus strand). Cytogenetic location: 6p12.1.
Variant type: single nucleotide variant.
Coding change: c.13609C>T on transcript NM_001374736.1 (MANE Select); coding-DNA position 13609, C replaced by T.
Protein change: p.Leu4537Phe; replaces leucine 4537 with phenylalanine.
Molecular consequence: missense variant.
Genome position (GRCh38, 1-based): chr6:56,572,212, G>A on the plus strand (C>T on the coding strand, the complement: DST is on the minus strand). VCF-style: chr6-56572212-G-A. GRCh37 (hg19) VCF-style: chr6-56437010-G-A.
Other names: c.7252C>T, p.Leu2418Phe (NM_001144769.5); c.6838C>T, p.Leu2280Phe (NM_001144770.2); c.13609C>T, p.Leu4537Phe (NM_001374722.1); c.12976C>T, p.Leu4326Phe (NM_001374729.1); c.6718C>T, p.Leu2240Phe (NM_001374730.1, NM_001386100.1, NM_183380.4); c.13636C>T, p.Leu4546Phe (NM_001374734.1); c.5740C>T, p.Leu1914Phe (NM_015548.5); short protein forms L4326F, L4546F, L2240F, L2280F, L2418F, L1914F, L4537F.
Identifiers: ClinVar variation 1408429 (VCV001408429.6), dbSNP rs367993147, ClinGen allele CA3868183.

ClinVar aggregate classification (germline): Uncertain significance. Review status: criteria provided, multiple submitters, no conflicts (2 of 4 stars). 3 submissions from 3 submitters: Uncertain significance (3). Last evaluated 2026-09-08.

Conditions:
DST-related disorder. Also called: DST-related condition; DST-related disorders.
Inborn genetic diseases. Identifiers: MedGen C0950123, MeSH D030342.
Epidermolysis bullosa simplex 3, localized or generalized intermediate, with BP230 deficiency (EBS3). Also called: Epidermolysis bullosa simplex, autosomal recessive 2; Epidermolysis bullosa simplex due to BP230 deficiency. Identifiers: Orphanet 412181, MedGen C3809470, MONDO:0014180, OMIM 615425.
Hereditary sensory and autonomic neuropathy type 6. Also called: HSAN VI; Neuropathy, hereditary sensory and autonomic, type VI. Identifiers: Orphanet 314381, MedGen C3539003, MONDO:0013839, OMIM 614653.

Allele frequency attached by ClinVar (database versions not stated): gnomAD exomes 0.00005; ExAC 0.00019; 1000 Genomes Project 0.00020; ESP Exome Variant Server 0.00026; 1000 Genomes Project 30x 0.00031; gnomAD 0.00039 and 0.00044; TOPMed 0.00043.
gnomAD v4.1: 99 of 1,576,404 alleles (0.0063%); highest among the groups gnomAD compares: African/African-American, 0.13%; 1 homozygote.

Submissions (3):

PreventionGenetics, part of Exact Sciences
Classification: Uncertain significance for DST-related condition. Last evaluated: 2026-09-08. Review status: criteria provided, single submitter. Criteria: ACMG Guidelines, 2015. Collection method: clinical testing. Allele origin: germline.
Comment: The DST c.7252C>T variant is predicted to result in the amino acid substitution p.Leu2418Phe. To our knowledge, this variant has not been reported in the literature. This variant is reported in 0.11% of alleles in individuals of African descent in gnomAD, including 1 homozygote. This population frequency is likely too common for an undocumented disease-causing variant. Although we suspect that this variant may be benign, at this time, the clinical significance of this variant is uncertain due to the absence of conclusive functional and genetic evidence.

Labcorp Genetics (formerly Invitae), Labcorp
Classification: Uncertain significance for Epidermolysis bullosa simplex 3, localized or generalized intermediate, with BP230 deficiency; Hereditary sensory and autonomic neuropathy type 6. Last evaluated: 2022-08-19. Review status: criteria provided, single submitter. Criteria: Invitae Variant Classification Sherloc (09022015). Collection method: clinical testing. Allele origin: germline.
Comment: The DST gene has multiple clinically relevant transcripts. This variant occurs in alternate transcript NM_015548.4, and corresponds to NM_001723.5:c.*43305C>T in the primary transcript. This sequence change replaces leucine, which is neutral and non-polar, with phenylalanine, which is neutral and non-polar, at codon 1914 of the DST protein (p.Leu1914Phe). This variant is present in population databases (rs367993147, gnomAD 0.1%). This variant has not been reported in the literature in individuals affected with DST-related conditions. Experimental studies and prediction algorithms are not available or were not evaluated, and the functional significance of this variant is currently unknown. In summary, the available evidence is currently insufficient to determine the role of this variant in disease. Therefore, it has been classified as a Variant of Uncertain Significance.

Ambry Genetics
Classification: Uncertain significance for Inborn genetic diseases. Last evaluated: 2022-03-18. Review status: criteria provided, single submitter. Criteria: Ambry Variant Classification Scheme 2023. Collection method: clinical testing. Allele origin: germline.
Comment: The p.L2418F variant (also known as c.7252C>T), located in coding exon 47 of the DST gene, results from a C to T substitution at nucleotide position 7252. The leucine at codon 2418 is replaced by phenylalanine, an amino acid with highly similar properties. This amino acid position is well conserved in available vertebrate species. In addition, the in silico prediction for this alteration is inconclusive. Since supporting evidence is limited at this time, the clinical significance of this alteration remains unclear.